The following is an entry in ClinVar:

ClinVar aggregate classification (germline): Uncertain significance. Review status: criteria provided, multiple submitters, no conflicts (2 of 4 stars). 2 submissions from 2 submitters: Uncertain significance (2). Last evaluated 2023-10-15.

Conditions:
Hereditary cancer-predisposing syndrome. Also called: Hereditary neoplastic syndrome; Neoplastic Syndromes, Hereditary; Tumor predisposition; Hereditary Cancer Syndrome. Identifiers: Orphanet 140162, MedGen C0027672, MeSH D009386, MONDO:0015356.
Rhabdoid tumor predisposition syndrome 2 (RTPS2). Identifiers: Orphanet 231108, Orphanet 69077, MedGen C2750074, MONDO:0013224, OMIM 613325.

Submissions (3):

Labcorp Genetics (formerly Invitae), Labcorp
Classification: Uncertain significance for Rhabdoid tumor predisposition syndrome 2. Last evaluated: 2023-10-15. Review status: criteria provided, single submitter. Criteria: Invitae Variant Classification Sherloc (09022015). Collection method: clinical testing. Allele origin: germline.
Comment: This sequence change replaces arginine, which is basic and polar, with leucine, which is neutral and non-polar, at codon 1671 of the SMARCA4 protein (p.Arg1671Leu). This variant is not present in population databases (gnomAD no frequency). This variant has not been reported in the literature in individuals affected with SMARCA4-related conditions. ClinVar contains an entry for this variant (Variation ID: 565470). Advanced modeling of protein sequence and biophysical properties (such as structural, functional, and spatial information, amino acid conservation, physicochemical variation, residue mobility, and thermodynamic stability) has been performed at Invitae for this missense variant, however the output from this modeling did not meet the statistical confidence thresholds required to predict the impact of this variant on SMARCA4 protein function. In summary, the available evidence is currently insufficient to determine the role of this variant in disease. Therefore, it has been classified as a Variant of Uncertain Significance.

Ambry Genetics
Classification: Uncertain significance for Hereditary cancer-predisposing syndrome. Last evaluated: 2021-06-08. Review status: criteria provided, single submitter. Criteria: Ambry Variant Classification Scheme 2023. Collection method: clinical testing. Allele origin: germline.
Comment: The p.R1671L variant (also known as c.5012G>T), located in coding exon 35 of the SMARCA4 gene, results from a G to T substitution at nucleotide position 5012. The arginine at codon 1671 is replaced by leucine, an amino acid with dissimilar properties. Missense and in-frame variants in SMARCA4 are known to cause neurodevelopmental disorders; however, such associations with rhabdoid tumor predisposition syndrome including small cell carcinoma of the ovary-hypercalcemic type (SCCOHT) are exceedingly rare (Kosho T et al. Am J Med Genet C Semin Med Genet. 2014 Sep;166C(3):262-75; Jelinic P et al. Nat Genet. 2014 May;46(5):424-6). This amino acid position is well conserved in available vertebrate species. In addition, the in silico prediction for this alteration is inconclusive. Based on the supporting evidence, the association of this alteration with Coffin-Siris syndrome is unknown; however, the association of this alteration with rhabdoid tumor predisposition syndrome is unlikely.

Dr. Peter K. Rogan Lab, Western University
No classification provided (evidence only). Condition: Lung cancer. Review status: no classification provided. Collection method: in vitro. Allele origin: not applicable. Functional consequence: retained intron. Not counted in ClinVar's aggregate classification.

NM_003072.5(SMARCA4):c.4916G>T (p.Arg1639Leu)

Gene: SMARCA4 (SWI/SNF related BAF chromatin remodeling complex subunit ATPase 4; plus strand). Cytogenetic location: 19p13.2.
Variant type: single nucleotide variant.
Coding change: c.4916G>T on transcript NM_003072.5 (MANE Select); coding-DNA position 4916, G replaced by T.
Protein change: p.Arg1639Leu; replaces arginine 1639 with leucine.
Molecular consequence: missense variant. On other transcripts: non-coding transcript variant (1).
Genome position (GRCh38, 1-based): chr19:11,061,788, G>T. VCF-style: chr19-11061788-G-T. GRCh37 (hg19) VCF-style: chr19-11172464-G-T.
Other names: c.4916G>T, p.Arg1639Leu (NM_001128844.3); c.4826G>T, p.Arg1609Leu (NM_001128845.2); c.4823G>T, p.Arg1608Leu (NM_001128846.2); c.4817G>T, p.Arg1606Leu (NM_001128847.4, NM_001374457.1); c.4814G>T, p.Arg1605Leu (NM_001128848.2); c.5012G>T, p.Arg1671Leu (NM_001128849.3, NM_001387283.1); short protein forms R1671L, R1639L, R1608L, R1609L, R1605L, R1606L.
Identifiers: ClinVar variation 565470 (VCV000565470.12), dbSNP rs867536416, ClinGen allele CA404081804.
Genomic context (GRCh38, chr19:11,061,788, plus strand): 5'-AAGGTGCCCTGGCAGGGGTGGCCAACGCACACTCTCTCCTCCTGTCCCCTCTCCAGGACC[G>T]CTCAGGAAGTGGCAGCGAAGAAGACTGAGCCCCGACATTCCAGTCTCGACCCCGAGCCCC-3'
Protein context (NP_003063.2, residues 1629-1647): DDSEEEQEED[Arg1639Leu]SGSGSEED